The following is an entry in ClinVar:

NM_001388308.1(KIF12):c.1825G>A (p.Gly609Arg)

Gene: KIF12 (kinesin family member 12; minus strand). Cytogenetic location: 9q32.
Variant type: single nucleotide variant.
Coding change: c.1825G>A on transcript NM_001388308.1 (MANE Select); coding-DNA position 1825, G replaced by A.
Protein change: p.Gly609Arg; replaces glycine 609 with arginine.
Molecular consequence: missense variant.
Genome position (GRCh38, 1-based): chr9:114,091,992, C>T on the plus strand (G>A on the coding strand, the complement: KIF12 is on the minus strand). VCF-style: chr9-114091992-C-T. GRCh37 (hg19) VCF-style: chr9-116854272-C-T.
Other names: c.1411G>A, p.Gly471Arg (NM_138424.2); c.1411G>A (NM_138424.1); short protein forms G609R, G471R.
Identifiers: ClinVar variation 2081565 (VCV002081565.5), dbSNP rs370618777, ClinGen allele CA5200384.
Genomic context (GRCh38, chr9:114,091,992, plus strand): 5'-GCAGGGAGCTGCCAATCTGGTCTCTGAGGGCCTCCAGTCTCTGGGCCAGGTTTGGAACCC[C>T]GGCCCCACCTAAGGAGCAGTGAGACTCGAGGCCTGCCCTCTCCAGGGCCCTTCCTCACCC-3'
Protein context (NP_001375237.1, residues 599-619): KTSPGLRGGA[Gly609Arg]VPNLAQRLEA

ClinVar aggregate classification (germline): Uncertain significance. Review status: criteria provided, multiple submitters, no conflicts (2 of 4 stars). 2 submissions from 2 submitters: Uncertain significance (2). Last evaluated 2025-03-27.

Conditions:
Inborn genetic diseases. Identifiers: MedGen C0950123, MeSH D030342.

Allele frequency attached by ClinVar (database versions not stated): TOPMed 0.00002; gnomAD exomes 0.00003; gnomAD 0.00005; ExAC 0.00007; 1000 Genomes Project 30x 0.00016.
gnomAD v4.1: 52 of 1,611,358 alleles (0.0032%); highest among the groups gnomAD compares: South Asian, 0.034%; no homozygotes.

Submissions (2):

Ambry Genetics
Classification: Uncertain significance for Inborn genetic diseases. Last evaluated: 2025-03-27. Review status: criteria provided, single submitter. Criteria: Ambry Variant Classification Scheme 2023. Collection method: clinical testing. Allele origin: germline.

Labcorp Genetics (formerly Invitae), Labcorp
Classification: Uncertain significance. Last evaluated: 2022-07-02. Review status: criteria provided, single submitter. Criteria: Invitae Variant Classification Sherloc (09022015). Collection method: clinical testing. Allele origin: germline.
Comment: This sequence change replaces glycine, which is neutral and non-polar, with arginine, which is basic and polar, at codon 471 of the KIF12 protein (p.Gly471Arg). In summary, the available evidence is currently insufficient to determine the role of this variant in disease. Therefore, it has been classified as a Variant of Uncertain Significance. Algorithms developed to predict the effect of missense changes on protein structure and function are either unavailable or do not agree on the potential impact of this missense change (SIFT: "Deleterious"; PolyPhen-2: "Benign"; Align-GVGD: "Class C0"). This variant has not been reported in the literature in individuals affected with KIF12-related conditions. This variant is present in population databases (rs370618777, gnomAD 0.04%).